The following is an entry in ClinVar:

ClinVar aggregate classification (germline): Pathogenic (0 of 4 stars; one submission).

Conditions:
Fanconi anemia complementation group A (FANCA). Also called: Fanconi anemia, group A; FANCA-Related Fanconi Anemia. Identifiers: Orphanet 84, MedGen C3469521, MONDO:0009215, OMIM 227650.

Submission:

Leiden Open Variation Database
Classification: Pathogenic for Fanconi anemia complementation group A. Last evaluated: 2020-02-28. Review status: no assertion criteria provided. Collection method: curation. Allele origin: germline. Affected: yes.
Comment: Curator: Arleen D. Auerbach. Submitter to LOVD: Daniela Pilonetto.

NM_000135.4(FANCA):c.3560dup (p.His1188fs)

Gene: FANCA (FA complementation group A; minus strand). Cytogenetic location: 16q24.3.
Variant type: Duplication.
Coding change: c.3560dup on transcript NM_000135.4 (MANE Select); coding-DNA position 3560, one base duplicated (G; older notation c.3560dupG).
Protein change: p.His1188fs; shifts the reading frame from histidine 1188.
Molecular consequence: frameshift variant.
Genome position (GRCh38, 1-based): chr16:89,745,025, C duplicated on the plus strand (G on the coding strand, the reverse complement: FANCA is on the minus strand). VCF-style (leftmost placement, unchanged base first): chr16-89745024-T-TC. GRCh37 (hg19) VCF-style: chr16-89811432-T-TC.
Other names: c.3560dup, p.His1188fs (NM_001286167.3); short protein forms H1188fs.
Identifiers: ClinVar variation 974059 (VCV000974059.1), dbSNP rs2062211067, ClinGen allele CA1139664959.